The following is an entry in ClinVar:

ClinVar aggregate classification (germline): Uncertain significance (1 of 4 stars; one submission).

Conditions:
RASopathy. Also called: rasopathies; Noonan spectrum disorder. Identifiers: Orphanet 536391, MedGen C5555857, MONDO:0021060.

Submission:

Labcorp Genetics (formerly Invitae), Labcorp
Classification: Uncertain significance for RASopathy. Last evaluated: 2025-10-17. Review status: criteria provided, single submitter. Criteria: Invitae Variant Classification Sherloc (09022015). Collection method: clinical testing. Allele origin: germline.
Comment: This sequence change replaces proline, which is neutral and non-polar, with threonine, which is neutral and polar, at codon 38 of the PTPN11 protein (p.Pro38Thr). This variant is not present in population databases (gnomAD no frequency). This variant has not been reported in the literature in individuals affected with PTPN11-related conditions. Invitae Evidence Modeling of protein sequence and biophysical properties (such as structural, functional, and spatial information, amino acid conservation, physicochemical variation, residue mobility, and thermodynamic stability) has been performed for this missense variant. However, the output from this modeling did not meet the statistical confidence thresholds required to predict the impact of this variant on PTPN11 protein function. In summary, the available evidence is currently insufficient to determine the role of this variant in disease. Therefore, it has been classified as a Variant of Uncertain Significance.

NM_002834.5(PTPN11):c.112C>A (p.Pro38Thr)

Gene: PTPN11 (protein tyrosine phosphatase non-receptor type 11; plus strand). Cytogenetic location: 12q24.13.
Variant type: single nucleotide variant.
Coding change: c.112C>A on transcript NM_002834.5 (MANE Select); coding-DNA position 112, C replaced by A.
Protein change: p.Pro38Thr; replaces proline 38 with threonine.
Molecular consequence: missense variant.
Genome position (GRCh38, 1-based): chr12:112,446,373, C>A. VCF-style: chr12-112446373-C-A. GRCh37 (hg19) VCF-style: chr12-112884177-C-A.
Other names: c.112C>A, p.Pro38Thr (NM_001330437.2, NM_001374625.1, NM_080601.3); short protein forms P38T.
Identifiers: ClinVar variation 4803084 (VCV004803084.1).
Genomic context (GRCh38, chr12:112,446,373, plus strand): 5'-AACCTACTGTTGACAAGAGGAGTTGATGGCAGTTTTTTGGCAAGGCCTAGTAAAAGTAAC[C>A]CTGGAGACTTCACACTTTCCGTTAGGTAAGTTGGAATGAAAAGAGAGGATCCTGAGAGTG-3'
Protein context (NP_002825.3, residues 28-48): SFLARPSKSN[Pro38Thr]GDFTLSVRRN